The following is an entry in ClinVar:

ClinVar aggregate classification (germline): Uncertain significance. Review status: criteria provided, single submitter (1 of 4 stars). 2 submissions from 2 submitters: Uncertain significance (1). 1 of the submissions does not count toward it. Last evaluated 2023-11-13.

Conditions:
TUB-related disorder. Also called: TUB-related condition.

Allele frequency attached by ClinVar (database versions not stated): gnomAD exomes below 0.00001; gnomAD 0.00001; TOPMed 0.00001.
gnomAD v4.1: 27 of 1,613,926 alleles (0.0017%); highest among the groups gnomAD compares: Non-Finnish European, 0.0022%; no homozygotes.

Submissions (2):

Labcorp Genetics (formerly Invitae), Labcorp
Classification: Uncertain significance. Last evaluated: 2023-11-13. Review status: criteria provided, single submitter. Criteria: Invitae Variant Classification Sherloc (09022015). Collection method: clinical testing. Allele origin: germline.
Comment: This sequence change replaces arginine, which is basic and polar, with cysteine, which is neutral and slightly polar, at codon 419 of the TUB protein (p.Arg419Cys). This variant is present in population databases (no rsID available, gnomAD 0.0009%). This variant has not been reported in the literature in individuals affected with TUB-related conditions. ClinVar contains an entry for this variant (Variation ID: 1414262). An algorithm developed to predict the effect of missense changes on protein structure and function (PolyPhen-2) suggests that this variant is likely to be disruptive. In summary, the available evidence is currently insufficient to determine the role of this variant in disease. Therefore, it has been classified as a Variant of Uncertain Significance.

PreventionGenetics, part of Exact Sciences
Classification: Uncertain significance for TUB-related condition. Last evaluated: 2024-09-12. Review status: no assertion criteria provided. Collection method: clinical testing. Allele origin: germline. Not counted in ClinVar's aggregate classification.
Comment: The TUB c.1255C>T variant is predicted to result in the amino acid substitution p.Arg419Cys. To our knowledge, this variant has not been reported in the literature. This variant is reported in 0.00088% of alleles in individuals of European (Non-Finnish) descent in gnomAD. At this time, the clinical significance of this variant is uncertain due to the absence of conclusive functional and genetic evidence.

NM_177972.3(TUB):c.1090C>T (p.Arg364Cys)

Genes: RIC3 (RIC3 acetylcholine receptor chaperone; minus strand), TUB (TUB bipartite transcription factor; plus strand). Cytogenetic location: 11p15.4.
Variant type: single nucleotide variant.
Coding change: c.1090C>T on transcript NM_177972.3 (MANE Select); coding-DNA position 1090, C replaced by T.
Protein change: p.Arg364Cys; replaces arginine 364 with cysteine.
Molecular consequence: missense variant.
Genome position (GRCh38, 1-based): chr11:8,098,849, C>T. VCF-style: chr11-8098849-C-T. GRCh37 (hg19) VCF-style: chr11-8120396-C-T.
Other names: c.1255C>T (NM_003320.4); c.1255C>T, p.Arg419Cys (NM_003320.5); short protein forms R364C, R419C.
Identifiers: ClinVar variation 1414262 (VCV001414262.7), dbSNP rs1345174025, ClinGen allele CA379570632.